The following is an entry in ClinVar:

ClinVar aggregate classification (germline): Likely benign (1 of 4 stars; one submission).

Conditions:
ZBTB25-related disorder. Also called: ZBTB25-related condition.

gnomAD v4.1: 3 of 985,488 alleles (0.0003%); highest among the groups gnomAD compares: Non-Finnish European, 0.00036%; no homozygotes.

Submission:

PreventionGenetics, part of Exact Sciences
Classification: Likely benign for ZBTB25-related condition. Last evaluated: 2026-05-21. Review status: criteria provided, single submitter. Criteria: ACMG Guidelines, 2015. Collection method: clinical testing. Allele origin: germline.
Comment: This variant is classified as likely benign based on ACMG/AMP sequence variant interpretation guidelines (Richards et al. 2015 PMID: 25741868, with internal and published modifications).

NM_006977.5(ZBTB25):c.-8+683A>G

Genes: ZBTB25 (zinc finger and BTB domain containing 25; minus strand), LOC130055831 (ATAC-STARR-seq lymphoblastoid active region 8533; plus strand). Cytogenetic location: 14q23.3.
Variant type: single nucleotide variant.
Coding change: c.-8+683A>G on transcript NM_006977.5 (MANE Select); 683 bases into the intron after 8 bases upstream of the start codon, A replaced by G.
Molecular consequence: intron variant. On other transcripts: 5 prime UTR variant (3), synonymous variant (1).
Genome position (GRCh38, 1-based): chr14:64,502,978, T>C on the plus strand (A>G on the coding strand, the complement: ZBTB25 is on the minus strand). VCF-style: chr14-64502978-T-C. GRCh37 (hg19) VCF-style: chr14-64969696-T-C.
Other names: c.-455A>G (NM_001304507.1); c.33A>G, p.Gln11= (NM_001354682.2); c.-402A>G (NM_001354685.2); c.-371A>G (NM_001354686.2); c.-8+1509A>G (NM_001304508.1).
Identifiers: ClinVar variation 4985829 (VCV004985829.1).
Genomic context (GRCh38, chr14:64,502,978, plus strand): 5'-GAGGATCAACAGCTCTGCCAGGACTTGAGTCTCAAGAGAAAGAATGCCAAATTTAATCCC[T>C]TGGGGTGATGCGGGCGCTAACTGTTGAAACATGCTAGGTGCCGTCAGGTTCCAGGTACTA-3'